The following is an entry in ClinVar:

ClinVar aggregate classification (germline): Benign/Likely benign. Review status: criteria provided, multiple submitters, no conflicts (2 of 4 stars). 3 submissions from 3 submitters: Benign (1); Likely benign (2). Last evaluated 2025-02-07.

Conditions:
Hereditary cancer-predisposing syndrome. Also called: Tumor predisposition; Hereditary Cancer Syndrome; Hereditary neoplastic syndrome; Neoplastic Syndromes, Hereditary. Identifiers: Orphanet 140162, MedGen C0027672, MeSH D009386, MONDO:0015356.
POLD1-related polyposis and colorectal cancer syndrome (CRCS10). Also called: Colorectal cancer 10; COLORECTAL CANCER, SUSCEPTIBILITY TO, ON CHROMOSOME 19q; Colorectal cancer, susceptibility to, 10. Identifiers: Orphanet 220460, MedGen C2675481, MONDO:0012953, OMIM 612591.

Allele frequency attached by ClinVar (database versions not stated): gnomAD 0.00001; TOPMed 0.00001.
gnomAD v4.1: 8 of 1,613,688 alleles (0.0005%); highest among the groups gnomAD compares: Non-Finnish European, 0.00068%; no homozygotes.

Submissions (3):

Myriad Genetics, Inc.
Classification: Benign for POLD1-related polyposis and colorectal cancer syndrome. Last evaluated: 2025-02-07. Review status: criteria provided, single submitter. Criteria: Myriad Autosomal Dominant, Autosomal Recessive and X-Linked Classification Criteria (2023). Collection method: clinical testing. Allele origin: unknown.
Comment: This variant is considered benign. This variant is a silent/synonymous amino acid change and it is not expected to impact splicing.

Labcorp Genetics (formerly Invitae), Labcorp
Classification: Likely benign for POLD1-related polyposis and colorectal cancer syndrome. Last evaluated: 2023-05-01. Review status: criteria provided, single submitter. Criteria: Invitae Variant Classification Sherloc (09022015). Collection method: clinical testing. Allele origin: germline.

Ambry Genetics
Classification: Likely benign for Hereditary cancer-predisposing syndrome. Last evaluated: 2017-09-14. Review status: criteria provided, single submitter. Criteria: Ambry Variant Classification Scheme 2023. Collection method: clinical testing. Allele origin: germline.

NM_002691.4(POLD1):c.1590G>A (p.Val530=)

Gene: POLD1 (DNA polymerase delta 1, catalytic subunit; plus strand). Cytogenetic location: 19q13.33.
Variant type: single nucleotide variant.
Coding change: c.1590G>A on transcript NM_002691.4 (MANE Select); coding-DNA position 1590, G replaced by A.
Protein change: p.Val530=; no amino-acid change (valine 530 retained).
Molecular consequence: synonymous variant. On other transcripts: non-coding transcript variant (1).
Genome position (GRCh38, 1-based): chr19:50,407,078, G>A. VCF-style: chr19-50407078-G-A. GRCh37 (hg19) VCF-style: chr19-50910335-G-A.
Other names: c.1590G>A, p.Val530= (NM_001256849.1, NM_001308632.1).
Identifiers: ClinVar variation 484436 (VCV000484436.14), dbSNP rs1485581703, ClinGen allele CA508184023.